The following is an entry in ClinVar:

NM_030773.4(TUBB1):c.79_80delinsTT (p.Glu27Leu)

Gene: TUBB1 (tubulin beta 1 class VI; plus strand). Cytogenetic location: 20q13.32.
Variant type: Indel.
Coding change: c.79_80delinsTT on transcript NM_030773.4 (MANE Select); coding-DNA positions 79 to 80, GA replaced by TT.
Protein change: p.Glu27Leu; replaces glutamic acid 27 with leucine.
Molecular consequence: missense variant.
Genome position (GRCh38, 1-based): chr20:59,022,866-59,022,867, GA replaced by TT. VCF-style: chr20-59022866-GA-TT. GRCh37 (hg19) VCF-style: chr20-57597921-GA-TT.
Other names: short protein forms E27L.
Identifiers: ClinVar variation 3239614 (VCV003239614.22), dbSNP rs2515915686.

ClinVar aggregate classification (germline): Uncertain significance. Review status: criteria provided, multiple submitters, no conflicts (2 of 4 stars). 3 submissions from 3 submitters: Uncertain significance (3). Last evaluated 2025-01-20.

Submissions (3):

Women's Health and Genetics/Laboratory Corporation of America, LabCorp
Classification: Uncertain significance. Last evaluated: 2025-01-20. Review status: criteria provided, single submitter. Criteria: LabCorp Variant Classification Summary - May 2015. Collection method: clinical testing. Allele origin: germline.
Comment: Variant summary: TUBB1 c.79_80delinsTT (p.Glu27Leu) results in a non-conservative amino acid change in the encoded protein sequence. Four of five in-silico tools predict a damaging effect of the variant on protein function. The variant was absent in 282806 control chromosomes. The available data on variant occurrences in the general population are insufficient to allow any conclusion about variant significance. To our knowledge, no occurrence of c.79_80delinsTT in individuals affected with TUBB1-Related Autosomal Dominant Macrothrombocytopenia and no experimental evidence demonstrating its impact on protein function have been reported. ClinVar contains an entry for this variant (Variation ID: 3239614). Based on the evidence outlined above, the variant was classified as uncertain significance.

Labcorp Genetics (formerly Invitae), Labcorp
Classification: Uncertain significance. Last evaluated: 2024-06-26. Review status: criteria provided, single submitter. Criteria: Invitae Variant Classification Sherloc (09022015). Collection method: clinical testing. Allele origin: germline.
Comment: This sequence change replaces glutamic acid, which is acidic and polar, with leucine, which is neutral and non-polar, at codon 27 of the TUBB1 protein (p.Glu27Leu). Information on the frequency of this variant in the gnomAD database is not available, as this variant may be reported differently in the database. This variant has not been reported in the literature in individuals affected with TUBB1-related conditions. An algorithm developed to predict the effect of missense changes on protein structure and function (PolyPhen-2) suggests that this variant is likely to be disruptive. In summary, the available evidence is currently insufficient to determine the role of this variant in disease. Therefore, it has been classified as a Variant of Uncertain Significance.

CeGaT Center for Human Genetics Tuebingen
Classification: Uncertain significance. Last evaluated: 2024-05-01. Review status: criteria provided, single submitter. Criteria: CeGaT Center For Human Genetics Tuebingen Variant Classification Criteria Version 2. Collection method: clinical testing. Allele origin: germline. Affected: yes. Observed: 1 variant allele.
Comment: TUBB1: PM2